The following is an entry in ClinVar:

NM_001371986.1(UNC80):c.2516A>G (p.Lys839Arg)

Gene: UNC80 (unc-80 subunit of NALCN channel complex; plus strand). Cytogenetic location: 2q34.
Variant type: single nucleotide variant.
Coding change: c.2516A>G on transcript NM_001371986.1 (MANE Select); coding-DNA position 2516, A replaced by G.
Protein change: p.Lys839Arg; replaces lysine 839 with arginine.
Molecular consequence: missense variant.
Genome position (GRCh38, 1-based): chr2:209,829,269, A>G. VCF-style: chr2-209829269-A-G. GRCh37 (hg19) VCF-style: chr2-210693993-A-G.
Other names: c.2516A>G, p.Lys839Arg (NM_032504.2); c.2501A>G, p.Lys834Arg (NM_182587.4); short protein forms K834R, K839R.
Identifiers: ClinVar variation 3675969 (VCV003675969.2).

ClinVar aggregate classification (germline): Uncertain significance (1 of 4 stars; one submission).

Submission:

Labcorp Genetics (formerly Invitae), Labcorp
Classification: Uncertain significance. Last evaluated: 2024-05-15. Review status: criteria provided, single submitter. Criteria: Invitae Variant Classification Sherloc (09022015). Collection method: clinical testing. Allele origin: germline.
Comment: This sequence change replaces lysine, which is basic and polar, with arginine, which is basic and polar, at codon 839 of the UNC80 protein (p.Lys839Arg). This variant is not present in population databases (gnomAD no frequency). This variant has not been reported in the literature in individuals affected with UNC80-related conditions. An algorithm developed to predict the effect of missense changes on protein structure and function (PolyPhen-2) suggests that this variant is likely to be tolerated. In summary, the available evidence is currently insufficient to determine the role of this variant in disease. Therefore, it has been classified as a Variant of Uncertain Significance.